The following is an entry in ClinVar:

NM_001032.5(RPS29):c.18G>A (p.Leu6=)

Gene: RPS29 (ribosomal protein S29; minus strand). Cytogenetic location: 14q21.3.
Variant type: single nucleotide variant.
Coding change: c.18G>A on transcript NM_001032.5 (MANE Select); coding-DNA position 18, G replaced by A.
Protein change: p.Leu6=; no amino-acid change (leucine 6 retained).
Molecular consequence: synonymous variant. On other transcripts: intron variant (1).
Genome position (GRCh38, 1-based): chr14:49,586,329, C>T on the plus strand (G>A on the coding strand, the complement: RPS29 is on the minus strand). VCF-style: chr14-49586329-C-T. GRCh37 (hg19) VCF-style: chr14-50053047-C-T.
Other names: c.18G>A, p.Leu6= (NM_001030001.4); c.54-280G>A (NM_001351375.2).
Identifiers: ClinVar variation 508325 (VCV000508325.11), dbSNP rs144406824, ClinGen allele CA7171947.
Genomic context (GRCh38, chr14:49,586,329, plus strand): 5'-ACAAACTATTTCTCACCAAGAGCGAGAACCCTGGCCGAATTTTCGCGGGTGGCTCCAGTA[C>T]AGCTGCTGGTGACCCATCTTGCTCTCAGCAGTGCAACGAGGTAAAAGGAAGAAGCTGGCC-3'
Protein context (NP_001023.1, residues 1-16): MGHQQ[Leu6=]YWSHPRKFGQ

ClinVar aggregate classification (germline): Benign/Likely benign. Review status: criteria provided, multiple submitters, no conflicts (2 of 4 stars). 3 submissions from 3 submitters: Benign (1); Likely benign (2). Last evaluated 2025-04-02.

Allele frequency attached by ClinVar (database versions not stated): 1000 Genomes Project 30x 0.00031; gnomAD 0.00035 and 0.00039; gnomAD exomes 0.00010; ExAC 0.00012; 1000 Genomes Project 0.00020; TOPMed 0.00053; ESP Exome Variant Server 0.00085.
gnomAD v4.1: 100 of 1,613,960 alleles (0.0062%); highest among the groups gnomAD compares: African/African-American, 0.13%; 1 homozygote.

Submissions (3):

Labcorp Genetics (formerly Invitae), Labcorp
Classification: Benign. Last evaluated: 2025-04-02. Review status: criteria provided, single submitter. Criteria: Invitae Variant Classification Sherloc (09022015). Collection method: clinical testing. Allele origin: germline.

Blueprint Genetics
Classification: Likely benign. Last evaluated: 2022-07-17. Review status: criteria provided, single submitter. Criteria: ACMG Guidelines, 2015. Collection method: clinical testing. Allele origin: germline.

GeneDx
Classification: Likely benign. Last evaluated: 2017-03-22. Review status: criteria provided, single submitter. Criteria: GeneDx Variant Classification (06012015). Collection method: clinical testing. Allele origin: germline. Affected: yes.
Comment: This variant is considered likely benign or benign based on one or more of the following criteria: it is a conservative change, it occurs at a poorly conserved position in the protein, it is predicted to be benign by multiple in silico algorithms, and/or has population frequency not consistent with disease.